The following is an entry in ClinVar:

NM_139318.5(KCNH5):c.1370C>A (p.Ser457Tyr)

Gene: KCNH5 (potassium voltage-gated channel subfamily H member 5; minus strand). Cytogenetic location: 14q23.2.
Variant type: single nucleotide variant.
Coding change: c.1370C>A on transcript NM_139318.5 (MANE Select); coding-DNA position 1370, C replaced by A.
Protein change: p.Ser457Tyr; replaces serine 457 with tyrosine.
Molecular consequence: missense variant.
Genome position (GRCh38, 1-based): chr14:62,849,852, G>T on the plus strand (C>A on the coding strand, the complement: KCNH5 is on the minus strand). VCF-style: chr14-62849852-G-T. GRCh37 (hg19) VCF-style: chr14-63316570-G-T.
Other names: c.1370C>A, p.Ser457Tyr (NM_172375.3); short protein forms S457Y.
Identifiers: ClinVar variation 3764397 (VCV003764397.1).
Genomic context (GRCh38, chr14:62,849,852, plus strand): 5'-TTGGCATACATTTGCTGGAAAATTGTTGTAACATTTCCAAAAATAGTTGCATAAAGAAGA[G>T]CTGAAAGAGAAGAAATGATAAAAATAAAACAAATATCTCATGTGAAAAAAATACAAATAT-3'
Protein context (NP_647479.2, residues 447-467): MFSVAMMMVG[Ser457Tyr]LLYATIFGNV

ClinVar aggregate classification (germline): Uncertain significance (1 of 4 stars; one submission).

Submission:

GeneDx
Classification: Uncertain significance. Last evaluated: 2024-08-23. Review status: criteria provided, single submitter. Criteria: GeneDx Variant Classification Process June 2021. Collection method: clinical testing. Allele origin: germline. Affected: yes.
Comment: Not observed at significant frequency in large population cohorts (gnomAD); In silico analysis supports that this missense variant has a deleterious effect on protein structure/function; Has not been previously published as pathogenic or benign to our knowledge